The following is an entry in ClinVar:

NM_133459.4(CCBE1):c.519A>G (p.Thr173=)

Gene: CCBE1 (collagen and calcium binding EGF domains 1; minus strand). Cytogenetic location: 18q21.32.
Variant type: single nucleotide variant.
Coding change: c.519A>G on transcript NM_133459.4 (MANE Select); coding-DNA position 519, A replaced by G.
Protein change: p.Thr173=; no amino-acid change (threonine 173 retained).
Molecular consequence: synonymous variant.
Genome position (GRCh38, 1-based): chr18:59,466,773, T>C on the plus strand (A>G on the coding strand, the complement: CCBE1 is on the minus strand). VCF-style: chr18-59466773-T-C. GRCh37 (hg19) VCF-style: chr18-57134005-T-C.
Identifiers: ClinVar variation 762247 (VCV000762247.23), dbSNP rs141327514, ClinGen allele CA8980469.

ClinVar aggregate classification (germline): Conflicting classifications of pathogenicity. Review status: criteria provided, conflicting classifications (1 of 4 stars). 7 submissions from 7 submitters: Uncertain significance (1); Benign (1); Likely benign (2). 3 of the submissions do not count toward it. Last evaluated 2026-01-27.

Conditions:
Hennekam lymphangiectasia-lymphedema syndrome 1 (HKLLS1). Also called: LYMPHATIC DYSPLASIA, GENERALIZED. Identifiers: Orphanet 2136, MedGen C4012050, MONDO:0009337, OMIM 235510.

Allele frequency attached by ClinVar (database versions not stated): ExAC 0.00023; gnomAD exomes 0.00032; ESP Exome Variant Server 0.00046; TOPMed 0.00048; gnomAD 0.00052 and 0.00055.

Submissions (7):

Labcorp Genetics (formerly Invitae), Labcorp
Classification: Benign. Last evaluated: 2026-01-27. Review status: criteria provided, single submitter. Criteria: Invitae Variant Classification Sherloc (09022015). Collection method: clinical testing. Allele origin: germline.

CeGaT Center for Human Genetics Tuebingen
Classification: Likely benign. Last evaluated: 2026-01-01. Review status: criteria provided, single submitter. Criteria: CeGaT Center For Human Genetics Tuebingen Variant Classification Criteria Version 2. Collection method: clinical testing. Allele origin: germline. Affected: yes. Observed: 2 variant alleles.
Comment: CCBE1: BP4, BP7

Blueprint Genetics
Classification: Likely benign. Last evaluated: 2024-03-27. Review status: criteria provided, single submitter. Criteria: ACMG Guidelines, 2015. Collection method: clinical testing. Allele origin: germline.

Illumina Laboratory Services, Illumina
Classification: Uncertain significance for Hennekam lymphangiectasia-lymphedema syndrome 1. Last evaluated: 2018-01-13. Review status: criteria provided, single submitter. Criteria: ICSL Variant Classification Criteria 13 December 2019. Collection method: clinical testing. Allele origin: germline.

Clinical Genetics DNA and cytogenetics Diagnostics Lab, Erasmus MC, Erasmus Medical Center
Classification: Likely benign. Review status: no assertion criteria provided. Collection method: clinical testing. Allele origin: germline. Affected: yes. Study: VKGL Data-share Consensus. Not counted in ClinVar's aggregate classification.

Clinical Genetics, Academic Medical Center
Classification: Likely benign. Review status: no assertion criteria provided. Collection method: clinical testing. Allele origin: germline. Affected: yes. Study: VKGL Data-share Consensus. Not counted in ClinVar's aggregate classification.

Genome Diagnostics Laboratory, University Medical Center Utrecht
Classification: Likely benign. Review status: no assertion criteria provided. Collection method: clinical testing. Allele origin: germline. Affected: yes. Study: VKGL Data-share Consensus. Not counted in ClinVar's aggregate classification.